The following is an entry in ClinVar:

NM_130839.5(UBE3A):c.2523_2581dup (p.Lys861delinsIleMetCysPheTyrPheArgAsnThrGlnAlaLysLysAsnLeuLysArgAspCysTer)

Genes: SNHG14 (small nucleolar RNA host gene 14; plus strand), UBE3A (ubiquitin protein ligase E3A; minus strand). Cytogenetic location: 15q11.2.
Variant type: Duplication.
Coding change: c.2523_2581dup on transcript NM_130839.5 (MANE Select); coding-DNA positions 2523 to 2581, 59 bases duplicated.
Protein change: p.Lys861delinsIleMetCysPheTyrPheArgAsnThrGlnAlaLysLysAsnLeuLysArgAspCysTer.
Molecular consequence: nonsense. On other transcripts: non-coding transcript variant (1).
Genome position (GRCh38, 1-based): chr15:25,339,175-25,339,233, 59 bases duplicated. GRCh37 (hg19): chr15:25,584,322-25,584,380.
Other names: c.2532_2590dup, p.Lys864delinsIleMetCysPheTyrPheArgAsnThrGlnAlaLysLysAsnLeuLysArgAspCysTer (NM_000462.5); c.2523_2581dup, p.Lys861delinsIleMetCysPheTyrPheArgAsnThrGlnAlaLysLysAsnLeuLysArgAspCysTer (NM_001354505.1, NM_001354538.2); c.2463_2521dup, p.Lys841delinsIleMetCysPheTyrPheArgAsnThrGlnAlaLysLysAsnLeuLysArgAspCysTer (NM_001354506.2, NM_001354507.2, NM_001354508.2 and 14 more transcripts); c.2367_2425dup, p.Lys809delinsIleMetCysPheTyrPheArgAsnThrGlnAlaLysLysAsnLeuLysArgAspCysTer (NM_001354545.2); c.2346_2404dup, p.Lys802delinsIleMetCysPheTyrPheArgAsnThrGlnAlaLysLysAsnLeuLysArgAspCysTer (NM_001354546.2); c.2307_2365dup, p.Lys789delinsIleMetCysPheTyrPheArgAsnThrGlnAlaLysLysAsnLeuLysArgAspCysTer (NM_001354547.2, NM_001354548.2); c.2298_2356dup, p.Lys786delinsIleMetCysPheTyrPheArgAsnThrGlnAlaLysLysAsnLeuLysArgAspCysTer (NM_001354549.2); c.1272_1330dup, p.Lys444delinsIleMetCysPheTyrPheArgAsnThrGlnAlaLysLysAsnLeuLysArgAspCysTer (NM_001354550.2); and 1 more.
Identifiers: ClinVar variation 155977 (VCV000155977.1), dbSNP rs1555379745, ClinGen allele CA333354.

ClinVar aggregate classification (germline): Pathogenic (0 of 4 stars; one submission).

Conditions:
Angelman syndrome (AS). Also called: HAPPY PUPPET SYNDROME. Identifiers: Orphanet 72, MedGen C0162635, MONDO:0007113, OMIM 105830. Disease mechanism: loss of function. Inheritance: AS is caused by disruption of maternally imprinted UBE3A located within the 15q11.2-q13 Angelman syndrome/Prader-Willi syndrome (AS/PWS) region., imprinting disorder.

Submission:

Baylor Genetics
Classification: Pathogenic for Angelman Syndrome. Last evaluated: 2014-02-14. Review status: no assertion criteria provided. Collection method: clinical testing. Allele origin: germline. Affected: yes. Observed: 1 variant allele. Study: UBE3A Mutation Study.
Comment: Data collected from clinical UBE3A sequence analysis results

Literature cited by the submitters: PubMed 25212744.